The following is an entry in ClinVar:

ClinVar aggregate classification (germline): Likely pathogenic (1 of 4 stars; one submission).

Conditions:
Hereditary spastic paraplegia 49 (HSAN9). Also called: TECPR2-Related Hereditary Sensory and Autonomic Neuropathy with Intellectual Disability; Spastic paraplegia 49, autosomal recessive; NEUROPATHY, HEREDITARY SENSORY AND AUTONOMIC, TYPE IX, WITH DEVELOPMENTAL DELAY. Identifiers: Orphanet 320385, MedGen C5190860, MONDO:0014016, OMIM 615031.

Submission:

Natera, Inc.
Classification: Likely pathogenic for Autosomal recessive spastic paraplegia type 49. Last evaluated: 2024-04-22. Review status: criteria provided, single submitter. Criteria: Natera Variant Classification Schema (03/2026). Collection method: clinical testing. Allele origin: germline.
Comment: The c.3076-1G>T variant in TECPR2 is a canonical splice acceptor site variant predicted to affect pre-mRNA splicing, which may result in an abnormal transcript and altered protein product. This variant is expected to result in nonsense mediated decay, truncation, or a dysfunctional protein product. This variant is rare in the general population with a frequency below the threshold expected for the associated phenotype(s). Given the available evidence, this variant is classified as Likely Pathogenic.

NM_014844.5(TECPR2):c.3076-1G>T

Gene: TECPR2 (tectonin beta-propeller repeat containing 2; plus strand). Cytogenetic location: 14q32.31.
Variant type: single nucleotide variant.
Coding change: c.3076-1G>T on transcript NM_014844.5 (MANE Select); the canonical splice acceptor site of the intron before coding-DNA position 3076, G replaced by T.
Molecular consequence: splice acceptor variant.
Genome position (GRCh38, 1-based): chr14:102,449,628, G>T. VCF-style: chr14-102449628-G-T. GRCh37 (hg19) VCF-style: chr14-102915965-G-T.
Other names: c.3076-1G>T (NM_001172631.3).
Identifiers: ClinVar variation 4815747 (VCV004815747.1).